The following is an entry in ClinVar:

ClinVar aggregate classification (germline): Uncertain significance (1 of 4 stars; one submission).

Conditions:
PCNT-related disorder. Also called: PCNT-related condition.

gnomAD v4.1: 13 of 1,613,284 alleles (0.00081%); highest among the groups gnomAD compares: African/African-American, 0.0027%; no homozygotes.

Submission:

PreventionGenetics, part of Exact Sciences
Classification: Uncertain significance for PCNT-related condition. Last evaluated: 2025-12-17. Review status: criteria provided, single submitter. Criteria: ACMG Guidelines, 2015. Collection method: clinical testing. Allele origin: germline.
Comment: The PCNT c.8918G>A variant is predicted to result in the amino acid substitution p.Arg2973Gln. To our knowledge, this variant has not been reported in the literature. This variant is reported in 0.013% of alleles in individuals of African descent in gnomAD. At this time, the clinical significance of this variant is uncertain due to the absence of conclusive functional and genetic evidence.

NM_006031.6(PCNT):c.8918G>A (p.Arg2973Gln)

Gene: PCNT (pericentrin; plus strand). Cytogenetic location: 21q22.3.
Variant type: single nucleotide variant.
Coding change: c.8918G>A on transcript NM_006031.6 (MANE Select); coding-DNA position 8918, G replaced by A.
Protein change: p.Arg2973Gln; replaces arginine 2973 with glutamine.
Molecular consequence: missense variant.
Genome position (GRCh38, 1-based): chr21:46,436,070, G>A. VCF-style: chr21-46436070-G-A. GRCh37 (hg19) VCF-style: chr21-47855983-G-A.
Other names: c.8327G>A, p.Arg2776Gln (NM_001315529.2); short protein forms R2776Q, R2973Q.
Identifiers: ClinVar variation 4995151 (VCV004995151.1).